The following is an entry in ClinVar:

ClinVar aggregate classification (germline): Pathogenic. Review status: criteria provided, multiple submitters, no conflicts (2 of 4 stars). 3 submissions from 3 submitters: Pathogenic (3). Last evaluated 2025-01-29.

Conditions:
Qualitative or quantitative defects of merosin. Identifiers: Orphanet 207094, MedGen CN226848, MONDO:0016149.
LAMA2-related muscular dystrophy (LAMA2-RD). Also called: Laminin alpha 2-related dystrophy. Identifiers: MedGen C5679788, MONDO:0100228.
Merosin deficient congenital muscular dystrophy (MDC1A). Also called: Congenital merosin-deficient muscular dystrophy 1A; Congenital Muscular Dystrophy Type 1A (MDC1A). Identifiers: Orphanet 258, MedGen C1263858, MONDO:0011925, OMIM 607855.

Allele frequency attached by ClinVar (database versions not stated): gnomAD exomes below 0.00001; TOPMed 0.00001.
gnomAD v4.1: 3 of 1,612,470 alleles (0.00019%); highest among the groups gnomAD compares: African/African-American, 0.0013%; no homozygotes.

Submissions (3):

Labcorp Genetics (formerly Invitae), Labcorp
Classification: Pathogenic for LAMA2-related muscular dystrophy. Last evaluated: 2025-01-29. Review status: criteria provided, single submitter. Criteria: Invitae Variant Classification Sherloc (09022015). Collection method: clinical testing. Allele origin: germline.
Comment: This sequence change creates a premature translational stop signal (p.Arg2156*) in the LAMA2 gene. It is expected to result in an absent or disrupted protein product. Loss-of-function variants in LAMA2 are known to be pathogenic (PMID: 18700894, 32904964). The frequency data for this variant in the population databases is considered unreliable, as metrics indicate poor data quality at this position in the gnomAD database. This premature translational stop signal has been observed in individual(s) with congenital muscular dystrophy (PMID: 30301903). ClinVar contains an entry for this variant (Variation ID: 1452612). For these reasons, this variant has been classified as Pathogenic.

Baylor Genetics
Classification: Pathogenic for Merosin deficient congenital muscular dystrophy. Last evaluated: 2023-10-02. Review status: criteria provided, single submitter. Criteria: ACMG Guidelines, 2015. Collection method: clinical testing. Allele origin: unknown.

Broad Center for Mendelian Genomics, Broad Institute of MIT and Harvard
Classification: Pathogenic for Qualitative or quantitative defects of merosin. Last evaluated: 2023-05-02. Review status: criteria provided, single submitter. Criteria: ACMG Guidelines, 2015. Collection method: curation. Allele origin: germline. Inheritance: Autosomal recessive inheritance.
Comment: The p.Arg2156Ter variant in LAMA2 has been previously reported in two unrelated individuals with LAMA2-related muscular dystrophy (PMID: 30301903, PMID: 24327385) and segregated with disease in 3 affected relatives from one family (PMID: 24327385) but has been identified in 0.01% (1/10068) of Ashkenazi Jewish chromosomes by the Genome Aggregation Database (gnomAD; dbSNP ID: rs922640025). Although this variant has been seen in the general population in a heterozygous state, its frequency is low enough to be consistent with a recessive carrier frequency. Of these two previously reported affected individuals (PMID: 30301903, PMID: 24327385), one was a compound heterozygote who carried a likely pathogenic variant in trans (PMID: 30301903, hg38 chr6:g.129291614_129291720del), which increases the likelihood that the p.Arg2156Ter variant is pathogenic. This variant has also been reported in ClinVar (Variation ID: 1452612) and has been interpreted as pathogenic by Invitae. This nonsense variant leads to a premature termination codon at position 2156, which is predicted to lead to a truncated or absent protein. Loss of function of the LAMA2 gene is an established disease mechanism in autosomal recessive LAMA2-related muscular dystrophy. In summary, this variant meets criteria to be classified as pathogenic for autosomal recessive LAMA2-related muscular dystrophy. ACMG/AMP Criteria applied: PVS1, PM2_Supporting, PM3, PP1 (Richards 2015).

Literature cited by the submitters: PubMed 18700894 (cited by Labcorp Genetics (formerly Invitae), Labcorp); PubMed 32904964 (cited by Labcorp Genetics (formerly Invitae), Labcorp); PubMed 30301903 (cited by Labcorp Genetics (formerly Invitae), Labcorp).

NM_000426.4(LAMA2):c.6466C>T (p.Arg2156Ter)

Gene: LAMA2 (laminin subunit alpha 2; plus strand). Cytogenetic location: 6q22.33.
Variant type: single nucleotide variant.
Coding change: c.6466C>T on transcript NM_000426.4 (MANE Select); coding-DNA position 6466, C replaced by T.
Protein change: p.Arg2156Ter; replaces arginine 2156 with a stop codon.
Molecular consequence: nonsense.
Genome position (GRCh38, 1-based): chr6:129,453,024, C>T. VCF-style: chr6-129453024-C-T. GRCh37 (hg19) VCF-style: chr6-129774169-C-T.
Other names: NM_000426.4(LAMA2):c.6466C>T; p.Arg2156Ter; c.6466C>T, p.Arg2156Ter (NM_001079823.2); short protein forms R2156*.
Identifiers: ClinVar variation 1452612 (VCV001452612.7), dbSNP rs922640025, ClinGen allele CA146883477.